The following is an entry in ClinVar:

ClinVar aggregate classification (germline): Uncertain significance (1 of 4 stars; one submission).

Conditions:
Sandhoff disease. Also called: Beta-hexosaminidase-beta-subunit deficiency; GM2 gangliosidosis, type 2; Total hexosaminidase deficiency; Sandhoff-Jatzkewitz-Pilz disease; GM2-GANGLIOSIDOSIS, TYPE II; HEXOSAMINIDASES A AND B DEFICIENCY. Identifiers: Orphanet 796, MedGen C0036161, MONDO:0010006, OMIM 268800.

Allele frequency attached by ClinVar (database versions not stated): ExAC 0.00002; gnomAD exomes 0.00002; TOPMed 0.00003; gnomAD 0.00004; 1000 Genomes Project 0.00020; 1000 Genomes Project 30x 0.00031.
gnomAD v4.1: 35 of 1,596,328 alleles (0.0022%); highest among the groups gnomAD compares: East Asian, 0.036%; no homozygotes.

Submission:

Labcorp Genetics (formerly Invitae), Labcorp
Classification: Uncertain significance for Sandhoff disease. Last evaluated: 2022-07-12. Review status: criteria provided, single submitter. Criteria: Invitae Variant Classification Sherloc (09022015). Collection method: clinical testing. Allele origin: germline.
Comment: This sequence change replaces valine, which is neutral and non-polar, with methionine, which is neutral and non-polar, at codon 356 of the HEXB protein (p.Val356Met). This variant is present in population databases (rs181898554, gnomAD 0.04%). This variant has not been reported in the literature in individuals affected with HEXB-related conditions. Advanced modeling of protein sequence and biophysical properties (such as structural, functional, and spatial information, amino acid conservation, physicochemical variation, residue mobility, and thermodynamic stability) performed at Invitae indicates that this missense variant is expected to disrupt HEXB protein function. In summary, the available evidence is currently insufficient to determine the role of this variant in disease. Therefore, it has been classified as a Variant of Uncertain Significance.

NM_000521.4(HEXB):c.1066G>A (p.Val356Met)

Gene: HEXB (hexosaminidase subunit beta; plus strand). Cytogenetic location: 5q13.3.
Variant type: single nucleotide variant.
Coding change: c.1066G>A on transcript NM_000521.4 (MANE Select); coding-DNA position 1066, G replaced by A.
Protein change: p.Val356Met; replaces valine 356 with methionine.
Molecular consequence: missense variant.
Genome position (GRCh38, 1-based): chr5:74,715,674, G>A. VCF-style: chr5-74715674-G-A. GRCh37 (hg19) VCF-style: chr5-74011499-G-A.
Other names: c.391G>A, p.Val131Met (NM_001292004.2); short protein forms V131M, V356M.
Identifiers: ClinVar variation 2201828 (VCV002201828.1), dbSNP rs181898554, ClinGen allele CA3306011.
Genomic context (GRCh38, chr5:74,715,674, plus strand): 5'-TTTTTCAAAGAAATTAGTGAGGTGTTTCCAGATCAATTCATTCATTTGGGAGGAGATGAA[G>A]TGGAATTTAAATGTTGGTAAGATGATTCCTTAAAACCCCTTTAAAAAAAAAAAAAAGAGA-3'
Protein context (NP_000512.2, residues 346-366): DQFIHLGGDE[Val356Met]EFKCWESNPK